The following is an entry in ClinVar:

NM_022124.6(CDH23):c.4918G>T (p.Glu1640Ter)

Gene: CDH23 (cadherin related 23; plus strand). Cytogenetic location: 10q22.1.
Variant type: single nucleotide variant.
Coding change: c.4918G>T on transcript NM_022124.6 (MANE Select); coding-DNA position 4918, G replaced by T.
Protein change: p.Glu1640Ter; replaces glutamic acid 1640 with a stop codon.
Molecular consequence: nonsense.
Genome position (GRCh38, 1-based): chr10:71,777,752, G>T. VCF-style: chr10-71777752-G-T. GRCh37 (hg19) VCF-style: chr10-73537509-G-T.
Other names: short protein forms E1640*.
Identifiers: ClinVar variation 2694599 (VCV002694599.3), dbSNP rs773449705, ClinGen allele CA377140145.

ClinVar aggregate classification (germline): Pathogenic (1 of 4 stars; one submission).

Submission:

Labcorp Genetics (formerly Invitae), Labcorp
Classification: Pathogenic. Last evaluated: 2023-11-09. Review status: criteria provided, single submitter. Criteria: Invitae Variant Classification Sherloc (09022015). Collection method: clinical testing. Allele origin: germline.
Comment: This sequence change creates a premature translational stop signal (p.Glu1640*) in the CDH23 gene. It is expected to result in an absent or disrupted protein product. Loss-of-function variants in CDH23 are known to be pathogenic (PMID: 11138009, 21940737). This variant is not present in population databases (gnomAD no frequency). This variant has not been reported in the literature in individuals affected with CDH23-related conditions. For these reasons, this variant has been classified as Pathogenic.

Literature cited by the submitters: PubMed 11138009; PubMed 21940737.